The following is an entry in ClinVar:

ClinVar aggregate classification (germline): Uncertain significance. Review status: criteria provided, multiple submitters, no conflicts (2 of 4 stars). 2 submissions from 2 submitters: Uncertain significance (2). Last evaluated 2025-12-04.

Conditions:
KMT2C-related disorder. Also called: KMT2C-related disorders; KMT2C-related condition.

Allele frequency attached by ClinVar (database versions not stated): gnomAD 0.00001; TOPMed 0.00002.
gnomAD v4.1: 2 of 1,613,934 alleles (0.00012%); highest among the groups gnomAD compares: Admixed American, 0.0017%; no homozygotes.

Submissions (2):

PreventionGenetics, part of Exact Sciences
Classification: Uncertain significance for KMT2C-related condition. Last evaluated: 2025-12-04. Review status: criteria provided, single submitter. Criteria: ACMG Guidelines, 2015. Collection method: clinical testing. Allele origin: germline.
Comment: The KMT2C c.12008C>T variant is predicted to result in the amino acid substitution p.Pro4003Leu. To our knowledge, this variant has not been reported in the literature or in a large population database (gnomAD), indicating this variant is rare. At this time, the clinical significance of this variant is uncertain due to the absence of conclusive functional and genetic evidence.

GeneDx
Classification: Uncertain significance. Last evaluated: 2019-05-23. Review status: criteria provided, single submitter. Criteria: GeneDx Variant Classification Process June 2021. Collection method: clinical testing. Allele origin: germline. Affected: yes.
Comment: Not observed in large population cohorts (Lek et al., 2016); In silico analysis, which includes protein predictors and evolutionary conservation, supports a deleterious effect; Has not been previously published as pathogenic or benign to our knowledge

NM_170606.3(KMT2C):c.12008C>T (p.Pro4003Leu)

Gene: KMT2C (lysine methyltransferase 2C; minus strand). Cytogenetic location: 7q36.1.
Variant type: single nucleotide variant.
Coding change: c.12008C>T on transcript NM_170606.3 (MANE Select); coding-DNA position 12008, C replaced by T.
Protein change: p.Pro4003Leu; replaces proline 4003 with leucine.
Molecular consequence: missense variant.
Genome position (GRCh38, 1-based): chr7:152,154,398, G>A on the plus strand (C>T on the coding strand, the complement: KMT2C is on the minus strand). VCF-style: chr7-152154398-G-A. GRCh37 (hg19) VCF-style: chr7-151851483-G-A.
Other names: short protein forms P4003L.
Identifiers: ClinVar variation 1302985 (VCV001302985.3), dbSNP rs2091890765, ClinGen allele CA370096788.